The following is an entry in ClinVar:

ClinVar aggregate classification (germline): Uncertain significance (1 of 4 stars; one submission).

gnomAD v4.1: 5 of 1,613,982 alleles (0.00031%); highest among the groups gnomAD compares: African/African-American, 0.0067%; no homozygotes.

Submission:

Labcorp Genetics (formerly Invitae), Labcorp
Classification: Uncertain significance. Last evaluated: 2025-12-29. Review status: criteria provided, single submitter. Criteria: Invitae Variant Classification Sherloc (09022015). Collection method: clinical testing. Allele origin: germline.
Comment: This sequence change replaces arginine, which is basic and polar, with proline, which is neutral and non-polar, at codon 288 of the COL9A2 protein (p.Arg288Pro). This variant is not present in population databases (gnomAD no frequency). This variant has not been reported in the literature in individuals affected with COL9A2-related conditions. ClinVar contains an entry for this variant (Variation ID: 1351767). Invitae Evidence Modeling of protein sequence and biophysical properties (such as structural, functional, and spatial information, amino acid conservation, physicochemical variation, residue mobility, and thermodynamic stability) indicates that this missense variant is not expected to disrupt COL9A2 protein function with a negative predictive value of 95%. In summary, the available evidence is currently insufficient to determine the role of this variant in disease. Therefore, it has been classified as a Variant of Uncertain Significance.

NM_001852.4(COL9A2):c.863G>C (p.Arg288Pro)

Gene: COL9A2 (collagen type IX alpha 2 chain; minus strand). Cytogenetic location: 1p34.2.
Variant type: single nucleotide variant.
Coding change: c.863G>C on transcript NM_001852.4 (MANE Select); coding-DNA position 863, G replaced by C.
Protein change: p.Arg288Pro; replaces arginine 288 with proline.
Molecular consequence: missense variant.
Genome position (GRCh38, 1-based): chr1:40,308,229, C>G on the plus strand (G>C on the coding strand, the complement: COL9A2 is on the minus strand). VCF-style: chr1-40308229-C-G. GRCh37 (hg19) VCF-style: chr1-40773901-C-G.
Other names: short protein forms R288P.
Identifiers: ClinVar variation 1351767 (VCV001351767.8), dbSNP rs771823937, ClinGen allele CA339852941.